The following is an entry in ClinVar:

NM_012123.4(MTO1):c.1907G>A (p.Arg636His)

Gene: MTO1 (mitochondrial tRNA translation optimization 1; plus strand). Cytogenetic location: 6q13.
Variant type: single nucleotide variant.
Coding change: c.1907G>A on transcript NM_012123.4 (MANE Select); coding-DNA position 1907, G replaced by A.
Protein change: p.Arg636His; replaces arginine 636 with histidine.
Molecular consequence: missense variant.
Genome position (GRCh38, 1-based): chr6:73,497,886, G>A. VCF-style: chr6-73497886-G-A. GRCh37 (hg19) VCF-style: chr6-74207609-G-A.
Other names: c.2027G>A (NM_001123226.1); c.2027G>A, p.Arg676His (NM_001123226.2); c.1982G>A, p.Arg661His (NM_133645.3); short protein forms R676H, R661H, R636H.
Identifiers: ClinVar variation 664297 (VCV000664297.5), dbSNP rs751695333, ClinGen allele CA3889774.

ClinVar aggregate classification (germline): Uncertain significance. Review status: criteria provided, multiple submitters, no conflicts (2 of 4 stars). 2 submissions from 2 submitters: Uncertain significance (2). Last evaluated 2025-08-24.

Conditions:
Inborn genetic diseases. Identifiers: MedGen C0950123, MeSH D030342.
Mitochondrial hypertrophic cardiomyopathy with lactic acidosis due to MTO1 deficiency. Also called: CARDIOMYOPATHY, INFANTILE HYPERTROPHIC MITOCHONDRIAL, AND LACTIC ACIDOSIS; Combined oxidative phosphorylation deficiency 10. Identifiers: Orphanet 314637, MedGen C4749921, MONDO:0013865, OMIM 614702.

Allele frequency attached by ClinVar (database versions not stated): gnomAD below 0.00001 and 0.00001; ExAC 0.00002; gnomAD exomes 0.00002 and 0.00003.
gnomAD v4.1: 26 of 1,608,334 alleles (0.0016%); highest among the groups gnomAD compares: Middle Eastern, 0.016%; no homozygotes.

Submissions (2):

Ambry Genetics
Classification: Uncertain significance for Inborn genetic diseases. Last evaluated: 2025-08-24. Review status: criteria provided, single submitter. Criteria: Ambry Variant Classification Scheme 2023. Collection method: clinical testing. Allele origin: germline.

Labcorp Genetics (formerly Invitae), Labcorp
Classification: Uncertain significance for Mitochondrial hypertrophic cardiomyopathy with lactic acidosis due to MTO1 deficiency. Last evaluated: 2022-07-19. Review status: criteria provided, single submitter. Criteria: Invitae Variant Classification Sherloc (09022015). Collection method: clinical testing. Allele origin: germline.
Comment: This sequence change replaces arginine, which is basic and polar, with histidine, which is basic and polar, at codon 636 of the MTO1 protein (p.Arg636His). This variant is present in population databases (rs751695333, gnomAD 0.006%). This variant has not been reported in the literature in individuals affected with MTO1-related conditions. ClinVar contains an entry for this variant (Variation ID: 664297). Algorithms developed to predict the effect of missense changes on protein structure and function are either unavailable or do not agree on the potential impact of this missense change (SIFT: "Deleterious"; PolyPhen-2: "Probably Damaging"; Align-GVGD: "Class C0"). In summary, the available evidence is currently insufficient to determine the role of this variant in disease. Therefore, it has been classified as a Variant of Uncertain Significance.